The following is an entry in ClinVar:

ClinVar aggregate classification (germline): Uncertain significance (1 of 4 stars; one submission).

Conditions:
Multiple sulfatase deficiency (MSD). Also called: Multiple Sulfatase Deficiency Disease; Sulfatidosis, Juvenile, Austin Type; Mucosulfatidosis. Identifiers: Orphanet 585, MedGen C0268263, MONDO:0010088, OMIM 272200.

Allele frequency attached by ClinVar (database versions not stated): gnomAD exomes 0.00002; ExAC 0.00016.
gnomAD v4.1: 32 of 1,611,690 alleles (0.002%); highest among the groups gnomAD compares: Non-Finnish European, 0.0023%; no homozygotes.

Submission:

Labcorp Genetics (formerly Invitae), Labcorp
Classification: Uncertain significance for Multiple sulfatase deficiency. Last evaluated: 2022-07-27. Review status: criteria provided, single submitter. Criteria: Invitae Variant Classification Sherloc (09022015). Collection method: clinical testing. Allele origin: germline.
Comment: This sequence change replaces proline, which is neutral and non-polar, with serine, which is neutral and polar, at codon 14 of the SUMF1 protein (p.Pro14Ser). This variant is present in population databases (rs765508829, gnomAD 0.01%). This variant has not been reported in the literature in individuals affected with SUMF1-related conditions. Algorithms developed to predict the effect of missense changes on protein structure and function (SIFT, PolyPhen-2, Align-GVGD) all suggest that this variant is likely to be tolerated. In summary, the available evidence is currently insufficient to determine the role of this variant in disease. Therefore, it has been classified as a Variant of Uncertain Significance.

NM_182760.4(SUMF1):c.40C>T (p.Pro14Ser)

Gene: SUMF1 (sulfatase modifying factor 1; minus strand). Cytogenetic location: 3p26.1.
Variant type: single nucleotide variant.
Coding change: c.40C>T on transcript NM_182760.4 (MANE Select); coding-DNA position 40, C replaced by T.
Protein change: p.Pro14Ser; replaces proline 14 with serine.
Molecular consequence: missense variant.
Genome position (GRCh38, 1-based): chr3:4,467,206, G>A on the plus strand (C>T on the coding strand, the complement: SUMF1 is on the minus strand). VCF-style: chr3-4467206-G-A. GRCh37 (hg19) VCF-style: chr3-4508890-G-A.
Other names: c.40C>T, p.Pro14Ser (NM_001164674.2, NM_001164675.2); short protein forms P14S.
Identifiers: ClinVar variation 2177334 (VCV002177334.1), dbSNP rs765508829, ClinGen allele CA2230736.
Genomic context (GRCh38, chr3:4,467,206, plus strand): 5'-TCCCTGCCGCTCCACACAGCAGCGAGAGCAGCAGCAGCAAGAGGACGAGACCCAGCTCAG[G>A]GCAACGTCCACACACCAGCCCTAGTGCGGGCGCAGCCATGTTGTCCCGCGGGCCATGTGA-3'
Protein context (NP_877437.2, residues 4-24): PALGLVCGRC[Pro14Ser]ELGLVLLLLL